The following is an entry in ClinVar:

NM_005732.4(RAD50):c.287T>C (p.Val96Ala)

Gene: RAD50 (RAD50 double strand break repair protein; plus strand). Cytogenetic location: 5q31.1.
Variant type: single nucleotide variant.
Coding change: c.287T>C on transcript NM_005732.4 (MANE Select); coding-DNA position 287, T replaced by C.
Protein change: p.Val96Ala; replaces valine 96 with alanine.
Molecular consequence: missense variant.
Genome position (GRCh38, 1-based): chr5:132,575,850, T>C. VCF-style: chr5-132575850-T-C. GRCh37 (hg19) VCF-style: chr5-131911542-T-C.
Other names: short protein forms V96A.
Identifiers: ClinVar variation 482097 (VCV000482097.15), dbSNP rs1554097576, ClinGen allele CA360930874.

ClinVar aggregate classification (germline): Uncertain significance. Review status: criteria provided, multiple submitters, no conflicts (2 of 4 stars). 3 submissions from 3 submitters: Uncertain significance (3). Last evaluated 2024-01-07.

Conditions:
Nijmegen breakage syndrome-like disorder (NBSLD). Also called: MICROCEPHALY AND SPONTANEOUS CHROMOSOME INSTABILITY WITHOUT IMMUNODEFICIENCY; NBS-LIKE DISORDER; RAD50 DEFICIENCY. Identifiers: Orphanet 240760, MedGen C2751318, MONDO:0013118, OMIM 613078.
Hereditary cancer-predisposing syndrome. Also called: Neoplastic Syndromes, Hereditary; Tumor predisposition; Hereditary Cancer Syndrome; Hereditary neoplastic syndrome. Identifiers: Orphanet 140162, MedGen C0027672, MeSH D009386, MONDO:0015356.

Submissions (3):

Ambry Genetics
Classification: Uncertain significance for Hereditary cancer-predisposing syndrome. Last evaluated: 2024-01-07. Review status: criteria provided, single submitter. Criteria: Ambry Variant Classification Scheme 2023. Collection method: clinical testing. Allele origin: germline.
Comment: The p.V96A variant (also known as c.287T>C), located in coding exon 3 of the RAD50 gene, results from a T to C substitution at nucleotide position 287. The valine at codon 96 is replaced by alanine, an amino acid with similar properties. This amino acid position is well conserved in available vertebrate species. In addition, this alteration is predicted to be tolerated by in silico analysis. Since supporting evidence is limited at this time, the clinical significance of this alteration remains unclear.

Labcorp Genetics (formerly Invitae), Labcorp
Classification: Uncertain significance for Hereditary cancer-predisposing syndrome. Last evaluated: 2023-11-10. Review status: criteria provided, single submitter. Criteria: Invitae Variant Classification Sherloc (09022015). Collection method: clinical testing. Allele origin: germline.
Comment: This sequence change replaces valine, which is neutral and non-polar, with alanine, which is neutral and non-polar, at codon 96 of the RAD50 protein (p.Val96Ala). This variant is not present in population databases (gnomAD no frequency). This variant has not been reported in the literature in individuals affected with RAD50-related conditions. ClinVar contains an entry for this variant (Variation ID: 482097). Advanced modeling of protein sequence and biophysical properties (such as structural, functional, and spatial information, amino acid conservation, physicochemical variation, residue mobility, and thermodynamic stability) performed at Invitae indicates that this missense variant is not expected to disrupt RAD50 protein function with a negative predictive value of 80%. In summary, the available evidence is currently insufficient to determine the role of this variant in disease. Therefore, it has been classified as a Variant of Uncertain Significance.

Sema4
Classification: Uncertain significance for Nijmegen breakage syndrome-like disorder. Last evaluated: 2022-02-04. Review status: criteria provided, single submitter. Criteria: Sema4 Curation Guidelines. Collection method: curation. Allele origin: germline.
Comment: The RAD50 c.287T>C (p.V96A) variant has been reported in 3/53,461 controls but not in breast cancer cases in a large dataset of 60,466 women with breast cancer (PMID 33471991). This variant is not reported in the population database Genome Aggregation Database (PMID: 32461654). The variant has been reported in ClinVar (Variation ID: 482097). Functional studies have not been performed, and in silico predictions of the variant's effect on protein function are inconclusive. The evidence is insufficient to meet ACMG/AMP criteria for classifying the variant as benign or pathogenic. Thus, the clinical significance of this variant is currently uncertain.

Literature cited by the submitters: PubMed 33471991 (cited by Sema4).